The following is an entry in ClinVar:

NM_004612.4(TGFBR1):c.563G>T (p.Gly188Val)

Gene: TGFBR1 (transforming growth factor beta receptor 1; plus strand). Cytogenetic location: 9q22.33.
Variant type: single nucleotide variant.
Coding change: c.563G>T on transcript NM_004612.4 (MANE Select); coding-DNA position 563, G replaced by T.
Protein change: p.Gly188Val; replaces glycine 188 with valine.
Molecular consequence: missense variant. On other transcripts: intron variant (1).
Genome position (GRCh38, 1-based): chr9:99,132,728, G>T. VCF-style: chr9-99132728-G-T. GRCh37 (hg19) VCF-style: chr9-101895010-G-T.
Other names: c.563G>T (NM_004612.3); c.575G>T, p.Gly192Val (NM_001306210.2); c.343+3628G>T (NM_001130916.3); short protein forms G188V, G192V.
Identifiers: ClinVar variation 520227 (VCV000520227.9), dbSNP rs1554699638, ClinGen allele CA374228507.

ClinVar aggregate classification (germline): Conflicting classifications of pathogenicity. Review status: criteria provided, conflicting classifications (1 of 4 stars). 3 submissions from 3 submitters: Likely pathogenic (2); Uncertain significance (1). Last evaluated 2025-07-17.

Conditions:
Familial thoracic aortic aneurysm and aortic dissection (TAAD). Also called: Thoracic aortic aneurysms and dissections. Identifiers: Orphanet 91387, MedGen C4707243, MONDO:0019625.
TGFBR1-related disorder. Also called: TGFBR1-related condition.

gnomAD v4.1: 1 of 1,614,116 alleles (0.000062%); highest among the groups gnomAD compares: Non-Finnish European, 0.000085%; no homozygotes.

Submissions (3):

PreventionGenetics, part of Exact Sciences
Classification: Likely pathogenic for TGFBR1-related condition. Last evaluated: 2025-07-17. Review status: criteria provided, single submitter. Criteria: ACMG Guidelines, 2015. Collection method: clinical testing. Allele origin: germline.
Comment: The TGFBR1 c.563G>T variant is predicted to result in the amino acid substitution p.Gly188Val. Functional studies using mouse models harboring this variant revealed that homozygotes were embryonic lethal and heterozygotes had distortion and fine tearing of the aorta, along with increased alveolar bone resorption (Yamada et al. 2021. PubMed ID: 34456753). This variant has not been reported in a large population database (gnomAD), indicating this variant is rare. This variant is interpreted as likely pathogenic.

Ambry Genetics
Classification: Likely pathogenic for Familial thoracic aortic aneurysm and aortic dissection. Last evaluated: 2024-09-25. Review status: criteria provided, single submitter. Criteria: Ambry Variant Classification Scheme 2023. Collection method: clinical testing. Allele origin: germline.
Comment: The p.G188V variant (also known as c.563G>T), located in coding exon 3 of the TGFBR1 gene, results from a G to T substitution at nucleotide position 563. The glycine at codon 188 is replaced by valine, an amino acid with dissimilar properties. This alteration alters the first amino acid of the highly conserved GS domain signature sequence (GSGSGLP) found in type I TGF beta receptors. This variant has been observed in at least three individuals with a personal and/or family history that is consistent with TGFBR1-related Loeys-Dietz syndrome and segregated with disease in at least one family (Ambry internal data; Ziganshin BA et al. Ann. Thorac. Surg. 2015;100:1604-11; Yamada S. Front Physiol. 2021 Aug;12:715687). Cells from aortic tissue of a heterozygous mouse model with this variant showed distorted and ruptured elastic fibers; however, the clinical relevance of this finding is unclear (Yamada S. Front Physiol. 2021 Aug;12:715687). This amino acid position is highly conserved in available vertebrate species. In addition, this alteration is predicted to be deleterious by in silico analysis. Based on the supporting evidence, this variant is likely pathogenic for TGFBR1-related Loeys-Dietz syndrome.

GeneDx
Classification: Uncertain significance. Last evaluated: 2023-09-12. Review status: criteria provided, single submitter. Criteria: GeneDx Variant Classification Process June 2021. Collection method: clinical testing. Allele origin: germline. Affected: yes.
Comment: Not observed at significant frequency in large population cohorts (gnomAD); Published functional studies show that this variant is embryonic lethality in homozygous state, and results in disorganized aortic elastic fibers and reduced lifespan in the heterozygous state, and causes disregulation of TGF-b signaling (Yamada et al., 2021).; In silico analysis supports that this missense variant has a deleterious effect on protein structure/function; This variant is associated with the following publications: (PMID: 26188975, 34456753, 29543232)

Literature cited by the submitters: PubMed 26188975 (cited by Ambry Genetics); PubMed 29543232 (cited by Ambry Genetics); PubMed 34456753 (cited by Ambry Genetics).